The following is an entry in ClinVar:

NM_001042681.2(RERE):c.3265C>G (p.Pro1089Ala)

Gene: RERE (arginine-glutamic acid dipeptide repeats; minus strand). Cytogenetic location: 1p36.23.
Variant type: single nucleotide variant.
Coding change: c.3265C>G on transcript NM_001042681.2 (MANE Select); coding-DNA position 3265, C replaced by G.
Protein change: p.Pro1089Ala; replaces proline 1089 with alanine.
Molecular consequence: missense variant.
Genome position (GRCh38, 1-based): chr1:8,360,242, G>C on the plus strand (C>G on the coding strand, the complement: RERE is on the minus strand). VCF-style: chr1-8360242-G-C. GRCh37 (hg19) VCF-style: chr1-8420302-G-C.
Other names: c.1603C>G, p.Pro535Ala (NM_001042682.2); c.3265C>G, p.Pro1089Ala (NM_012102.4); short protein forms P1089A, P535A.
Identifiers: ClinVar variation 521884 (VCV000521884.6), dbSNP rs1259871272, ClinGen allele CA338170952.
Genomic context (GRCh38, chr1:8,360,242, plus strand): 5'-GAGGGGGGCTCTCAGGCTCCTCAGCGTCGTCCAGAGCCTCCTCCTTGATCTGGACGGTGG[G>C]GAGTGGGCAGGACGACCCCCCCGCTATGCTGCCTCCTGAAGCCGCCGCACCAGAGCAGGG-3'
Protein context (NP_001036146.1, residues 1079-1099): SIAGGSSCPL[Pro1089Ala]TVQIKEEALD

ClinVar aggregate classification (germline): Uncertain significance. Review status: criteria provided, multiple submitters, no conflicts (2 of 4 stars). 2 submissions from 2 submitters: Uncertain significance (2). Last evaluated 2025-03-24.

Conditions:
Inborn genetic diseases. Identifiers: MedGen C0950123, MeSH D030342.
Neurodevelopmental disorder with or without anomalies of the brain, eye, or heart (NEDBEH). Identifiers: Orphanet 494344, MedGen C5567477, MONDO:0014857, OMIM 616975.

Allele frequency attached by ClinVar (database versions not stated): TOPMed 0.00005; gnomAD 0.00001.
gnomAD v4.1: 9 of 1,580,846 alleles (0.00057%); highest among the groups gnomAD compares: Admixed American, 0.0018%; no homozygotes.

Submissions (2):

Ambry Genetics
Classification: Uncertain significance for Inborn genetic diseases. Last evaluated: 2025-03-24. Review status: criteria provided, single submitter. Criteria: Ambry Variant Classification Scheme 2023. Collection method: clinical testing. Allele origin: germline.
Comment: The c.3265C>G (p.P1089A) alteration is located in exon 19 (coding exon 17) of the RERE gene. This alteration results from a C to G substitution at nucleotide position 3265, causing the proline (P) at amino acid position 1089 to be replaced by an alanine (A). The alteration is not observed in healthy cohorts: Based on data from the NHLBI Exome Sequencing Project (ESP), the RERE c.3265C>G alteration was not observed among 6224 individuals tested. Allele frequency data for this nucleotide position are not currently available from the 1000 Genomes Project and the alteration is not currently listed in the Database of Single Nucleotide Polymorphisms (dbSNP). Rare missense alleles commonly exhibit a deleterious effect on protein function (Kryukov, 2007; Tennessen, 2012; please note that some variants may appear to be rare due to ethnic underrepresentation in the database). IF USED, PULL THESE INTO REFERENCES: Kryukov GV, et al. (2007) Am J Hum Genet 80:727-739. Tennessen JA, et al. (2012) Science 337(64):64-69. The altered amino acid is conserved throughout evolution: The p.P1089 amino acid is almost completely conserved in available vertebrate species. In silico prediction is conflicting: The p.P1089A alteration is predicted to be possibly damaging by Polyphen and tolerated by SIFT in silico analyses. Based on insufficient or conflicting evidence, the clinical significance of this alteration remains unclear.

New York Genome Center
Classification: Uncertain significance for Neurodevelopmental disorder with or without anomalies of the brain, eye, or heart. Last evaluated: 2021-04-09. Review status: criteria provided, single submitter. Criteria: NYGC Assertion Criteria 2020. Collection method: clinical testing. Allele origin: inherited. Observed: 1 heterozygote. Study: CSER-NYCKidSeq.